The following is an entry in ClinVar:

ClinVar aggregate classification (germline): Uncertain significance (1 of 4 stars; one submission).

gnomAD v4.1: 26 of 1,562,794 alleles (0.0017%); highest among the groups gnomAD compares: Non-Finnish European, 0.0018%; no homozygotes.

Submission:

Labcorp Genetics (formerly Invitae), Labcorp
Classification: Uncertain significance. Last evaluated: 2024-03-07. Review status: criteria provided, single submitter. Criteria: Invitae Variant Classification Sherloc (09022015). Collection method: clinical testing. Allele origin: germline.
Comment: This sequence change falls in intron 6 of the USH1C gene. It does not directly change the encoded amino acid sequence of the USH1C protein. It affects a nucleotide within the consensus splice site. This variant is present in population databases (no rsID available, gnomAD 0.006%). This variant has not been reported in the literature in individuals affected with USH1C-related conditions. Variants that disrupt the consensus splice site are a relatively common cause of aberrant splicing (PMID: 17576681, 9536098). Algorithms developed to predict the effect of sequence changes on RNA splicing suggest that this variant may disrupt the consensus splice site. In summary, the available evidence is currently insufficient to determine the role of this variant in disease. Therefore, it has been classified as a Variant of Uncertain Significance.

Literature cited by the submitters: PubMed 17576681; PubMed 9536098.

NM_153676.4(USH1C):c.521+4A>C

Gene: USH1C (USH1 protein network component harmonin; minus strand). Cytogenetic location: 11p15.1.
Variant type: single nucleotide variant.
Coding change: c.521+4A>C on transcript NM_153676.4 (MANE Select); 4 bases into the intron after coding-DNA position 521, A replaced by C.
Molecular consequence: intron variant.
Genome position (GRCh38, 1-based): chr11:17,527,012, T>G on the plus strand (A>C on the coding strand, the complement: USH1C is on the minus strand). VCF-style: chr11-17527012-T-G. GRCh37 (hg19) VCF-style: chr11-17548559-T-G.
Other names: c.521+4A>C (NM_001297764.2, NM_005709.4).
Identifiers: ClinVar variation 3711442 (VCV003711442.2).